The following is an entry in ClinVar:

NM_001164508.2(NEB):c.20998-7A>C

Gene: NEB (nebulin; minus strand). Cytogenetic location: 2q23.3.
Variant type: single nucleotide variant.
Coding change: c.20998-7A>C on transcript NM_001164508.2 (MANE Select); 7 bases into the intron before coding-DNA position 20998, A replaced by C.
Molecular consequence: intron variant.
Genome position (GRCh38, 1-based): chr2:151,537,983, T>G on the plus strand (A>C on the coding strand, the complement: NEB is on the minus strand). VCF-style: chr2-151537983-T-G. GRCh37 (hg19) VCF-style: chr2-152394497-T-G.
Other names: c.15895-7A>C (NM_004543.5); c.20998-7A>C (NM_001164507.2, NM_001271208.2).
Identifiers: ClinVar variation 513659 (VCV000513659.9), dbSNP rs1408680616, ClinGen allele CA536640290.

ClinVar aggregate classification (germline): Likely benign. Review status: criteria provided, multiple submitters, no conflicts (2 of 4 stars). 2 submissions from 2 submitters: Likely benign (2). Last evaluated 2023-06-23.

Conditions:
Nemaline myopathy 2 (NEM2). Also called: Nemaline myopathy 2, autosomal recessive. Identifiers: MedGen C1850569, MONDO:0009725, OMIM 256030.

Allele frequency attached by ClinVar (database versions not stated): TOPMed below 0.00001; gnomAD 0.00001.
gnomAD v4.1: 3 of 1,607,122 alleles (0.00019%); highest among the groups gnomAD compares: Non-Finnish European, 0.00026%; no homozygotes.

Submissions (2):

Labcorp Genetics (formerly Invitae), Labcorp
Classification: Likely benign for Nemaline myopathy 2. Last evaluated: 2023-06-23. Review status: criteria provided, single submitter. Criteria: Invitae Variant Classification Sherloc (09022015). Collection method: clinical testing. Allele origin: germline.

GeneDx
Classification: Likely benign. Last evaluated: 2017-11-24. Review status: criteria provided, single submitter. Criteria: GeneDx Variant Classification (06012015). Collection method: clinical testing. Allele origin: germline. Affected: yes.
Comment: This variant is considered likely benign or benign based on one or more of the following criteria: it is a conservative change, it occurs at a poorly conserved position in the protein, it is predicted to be benign by multiple in silico algorithms, and/or has population frequency not consistent with disease.